The following is an entry in ClinVar:

NM_001365902.3(NFIX):c.559G>T (p.Glu187Ter)

Gene: NFIX (nuclear factor I X; plus strand). Cytogenetic location: 19p13.13.
Variant type: single nucleotide variant.
Coding change: c.559G>T on transcript NM_001365902.3 (MANE Select); coding-DNA position 559, G replaced by T.
Protein change: p.Glu187Ter; replaces glutamic acid 187 with a stop codon.
Molecular consequence: nonsense.
Genome position (GRCh38, 1-based): chr19:13,025,552, G>T. VCF-style: chr19-13025552-G-T. GRCh37 (hg19) VCF-style: chr19-13136366-G-T.
Other names: c.583G>T, p.Glu195Ter (NM_001271043.2); c.535G>T, p.Glu179Ter (NM_001271044.3, NM_001378404.1); c.559G>T, p.Glu187Ter (NM_001365982.2, NM_002501.4); c.418G>T, p.Glu140Ter (NM_001365983.2); c.556G>T, p.Glu186Ter (NM_001365984.2, NM_001365985.2); c.607G>T, p.Glu203Ter (NM_001378405.1); short protein forms E187*, E179*, E186*, E140*, E195*, E203*.
Identifiers: ClinVar variation 2152310 (VCV002152310.4), dbSNP rs2512747813, ClinGen allele CA404316308.
Genomic context (GRCh38, chr19:13,025,552, plus strand): 5'-CACATTGGAGTCACAATCAAAGAACTGGATCTTTATCTGGCTTACTTTGTCCACACTCCG[G>T]GTAGGTCGTTCTCAACCATTTTTCCCTCTCATTTTATTTTCCTTGCTGGCATTTGTTCTG-3'

ClinVar aggregate classification (germline): Pathogenic (1 of 4 stars; one submission).

Conditions:
Marshall-Smith syndrome (MRSHSS). Identifiers: Orphanet 561, MedGen C0265211, MONDO:0011244, OMIM 602535.
Malan overgrowth syndrome (MALNS). Also called: Sotos syndrome 2; NFIX-Related Malan Syndrome; MALAN SYNDROME. Identifiers: Orphanet 420179, MedGen C3553660, MONDO:0013885, OMIM 614753.

Submission:

Labcorp Genetics (formerly Invitae), Labcorp
Classification: Pathogenic for Malan overgrowth syndrome; Marshall-Smith syndrome. Last evaluated: 2022-04-09. Review status: criteria provided, single submitter. Criteria: Invitae Variant Classification Sherloc (09022015). Collection method: clinical testing. Allele origin: germline.
Comment: This premature translational stop signal has been observed in individual(s) with clinical features of NFIX-related conditions (PMID: 28333917). This sequence change creates a premature translational stop signal (p.Glu195*) in the NFIX gene. It is expected to result in an absent or disrupted protein product. Loss-of-function variants in NFIX are known to be pathogenic (PMID: 20673863, 20949508, 24924640, 25118028). This variant is not present in population databases (gnomAD no frequency). This variant is also known as c.559G>T (p.Glu187*). Algorithms developed to predict the effect of sequence changes on RNA splicing suggest that this variant may disrupt the consensus splice site. For these reasons, this variant has been classified as Pathogenic.

Literature cited by the submitters: PubMed 28333917; PubMed 20673863; PubMed 20949508; PubMed 24924640; PubMed 25118028.